The following is an entry in ClinVar:

ClinVar aggregate classification (germline): Uncertain significance (1 of 4 stars; one submission).

Submission:

GeneDx
Classification: Uncertain significance. Last evaluated: 2022-01-28. Review status: criteria provided, single submitter. Criteria: GeneDx Variant Classification Process June 2021. Collection method: clinical testing. Allele origin: germline. Affected: yes.
Comment: Not observed at significant frequency in large population cohorts (gnomAD); Frameshift variant predicted to result in protein truncation or nonsense mediated decay in a gene for which loss-of-function is not a known mechanism of disease; Has not been previously published as pathogenic or benign to our knowledge

NM_005458.8(GABBR2):c.2119del (p.Ala707fs)

Gene: GABBR2 (gamma-aminobutyric acid type B receptor subunit 2; minus strand). Cytogenetic location: 9q22.33.
Variant type: Deletion.
Coding change: c.2119del on transcript NM_005458.8 (MANE Select); coding-DNA position 2119, one base deleted (G; older notation c.2119delG).
Protein change: p.Ala707fs; shifts the reading frame from alanine 707.
Molecular consequence: frameshift variant.
Genome position (GRCh38, 1-based): chr9:98,306,231, C deleted on the plus strand (G on the coding strand, the reverse complement: GABBR2 is on the minus strand); the first of 4 consecutive C bases (chr9:98,306,231-98,306,234); deleting any one gives the same sequence. VCF-style (leftmost placement, unchanged base first): chr9-98306230-GC-G. GRCh37 (hg19) VCF-style: chr9-101068512-GC-G.
Other names: short protein forms A707fs.
Identifiers: ClinVar variation 1699702 (VCV001699702.2), dbSNP rs2131355008, ClinGen allele CA2580080787.
Genomic context (GRCh38, chr9:98,306,230, plus strand): 5'-ACCAGAGCCACGATGCAGAACTGCACATTGGGCTGGTCCCGGGTCAGGAAGGAGACAGCG[GC>G]CCCGATGATGCACATGATCCCCACGTTGTAGACACTCATCCCGATGTACTTGCTGTCGTT-3'